The following is an entry in ClinVar:

ClinVar aggregate classification (germline): Uncertain significance. Review status: criteria provided, multiple submitters, no conflicts (2 of 4 stars). 2 submissions from 2 submitters: Uncertain significance (2). Last evaluated 2021-08-03.

Conditions:
Familial cancer of breast. Also called: BREAST CANCER, FAMILIAL; Hereditary breast cancer; hereditary breast carcinoma. Identifiers: Orphanet 227535, MedGen C0346153, MONDO:0016419, OMIM 114480. Disease mechanism: loss of function.
Fanconi anemia complementation group J. Also called: BRIP1-Related Fanconi Anemia. Identifiers: Orphanet 84, MedGen C1836860, MONDO:0012187, OMIM 609054.

Submissions (2):

Labcorp Genetics (formerly Invitae), Labcorp
Classification: Uncertain significance for Familial cancer of breast; Fanconi anemia complementation group J. Last evaluated: 2021-08-03. Review status: criteria provided, single submitter. Criteria: Invitae Variant Classification Sherloc (09022015). Collection method: clinical testing. Allele origin: germline.
Comment: This variant has not been reported in the literature in individuals affected with BRIP1-related conditions. ClinVar contains an entry for this variant (Variation ID: 128164). Algorithms developed to predict the effect of missense changes on protein structure and function are either unavailable or do not agree on the potential impact of this missense change (SIFT: "Tolerated"; PolyPhen-2: "Probably Damaging"; Align-GVGD: "Class C0"). In summary, the available evidence is currently insufficient to determine the role of this variant in disease. Therefore, it has been classified as a Variant of Uncertain Significance. This variant is not present in population databases (ExAC no frequency). This sequence change replaces isoleucine with threonine at codon 633 of the BRIP1 protein (p.Ile633Thr). The isoleucine residue is highly conserved and there is a moderate physicochemical difference between isoleucine and threonine.

GeneDx
Classification: Uncertain significance. Last evaluated: 2013-11-08. Review status: criteria provided, single submitter. Criteria: GeneDx Variant Classification (06012015). Collection method: clinical testing. Allele origin: germline. Affected: yes.
Comment: This variant is denoted BRIP1 c.1898T>C at the cDNA level, p.Ile633Thr (I633T) at the protein level, and results in the change of an Isoleucine to a Threonine (ATC>ACC) in exon 13. This variant has not, to our knowledge, been published in the literature as either a mutation or a benign polymorphism. BRIP1 Ile633Thr was not observed in approximately 6,500 individuals of European and African American ancestry in the NHLBI Exome Variant Server, indicating it is not a common benign variant in these populations. This variant is a non-conservative substitution of a neutral non-polar amino acid for a neutral polar one, altering a position that is well conserved throughout evolution and is not located in a known functional domain. In silico analyses are inconsistent with regard to the effect this variant may have on protein structure and function. This gene, which is involved in DNA damage repair as part of the Fanconi Anemia pathway, has been recently described in association with cancer risk, but the small number of patients studied precludes specific cancer risk assessment. Based on the currently available information, we consider BRIP1 Ile633Thr to be a variant of unknown significance. The variant is found in HEREDICANCER panel(s).

NM_032043.3(BRIP1):c.1898T>C (p.Ile633Thr)

Gene: BRIP1 (BRCA1 interacting DNA helicase 1; minus strand). Cytogenetic location: 17q23.2.
Variant type: single nucleotide variant.
Coding change: c.1898T>C on transcript NM_032043.3 (MANE Select); coding-DNA position 1898, T replaced by C.
Protein change: p.Ile633Thr; replaces isoleucine 633 with threonine.
Molecular consequence: missense variant.
Genome position (GRCh38, 1-based): chr17:61,780,298, A>G on the plus strand (T>C on the coding strand, the complement: BRIP1 is on the minus strand). VCF-style: chr17-61780298-A-G. GRCh37 (hg19) VCF-style: chr17-59857659-A-G.
Other names: p.I633T:ATC>ACC; short protein forms I633T.
Identifiers: ClinVar variation 128164 (VCV000128164.10), dbSNP rs587780232, ClinGen allele CA288538.